The following is an entry in ClinVar:

ClinVar aggregate classification (germline): Benign/Likely benign. Review status: criteria provided, multiple submitters, no conflicts (2 of 4 stars). 3 submissions from 2 submitters: Benign (2); Likely benign (1). Last evaluated 2018-01-12.

Conditions:
Autosomal dominant centronuclear myopathy. Also called: MYOTUBULAR MYOPATHY, AUTOSOMAL DOMINANT; Myopathy, centronuclear, 3. Identifiers: Orphanet 169189, MedGen C4551952, MeSH D020914, MONDO:0008048, OMIM 160150.
Charcot-Marie-Tooth disease dominant intermediate B (CMTDIB). Also called: CHARCOT-MARIE-TOOTH NEUROPATHY, DOMINANT INTERMEDIATE B; Charcot-Marie-Tooth disease dominant intermediate 1; CMT DI1; Charcot-Marie-Tooth disease dominant intermediate I. Identifiers: Orphanet 100044, Orphanet 228179, MedGen C1847902, MONDO:0011674, OMIM 606482.

Allele frequency attached by ClinVar (database versions not stated): gnomAD 0.00010; ESP Exome Variant Server 0.00015; TOPMed 0.00015; gnomAD exomes 0.00021; ExAC 0.00023.
gnomAD v4.1: 125 of 1,593,158 alleles (0.0078%); highest among the groups gnomAD compares: Admixed American, 0.073%; no homozygotes.

Submissions (3):

Illumina Laboratory Services, Illumina
Classification: Benign for Charcot-Marie-Tooth disease dominant intermediate B. Last evaluated: 2018-01-12. Review status: criteria provided, single submitter. Criteria: ICSL Variant Classification Criteria 13 December 2019. Collection method: clinical testing. Allele origin: germline.
Comment: This variant was observed in the ICSL laboratory as part of a predisposition screen in an ostensibly healthy population. It had not been previously curated by ICSL or reported in the Human Gene Mutation Database (HGMD: prior to June 1st, 2018), and was therefore a candidate for classification through an automated scoring system. Utilizing variant allele frequency, disease prevalence and penetrance estimates, and inheritance mode, an automated score was calculated to assess if this variant is too frequent to cause the disease. Based on the score and internal cut-off values, a variant classified as benign is not then subjected to further curation. The score for this variant resulted in a classification of benign for this disease.

Illumina Laboratory Services, Illumina
Classification: Benign for Autosomal dominant centronuclear myopathy. Last evaluated: 2018-01-12. Review status: criteria provided, single submitter. Criteria: ICSL Variant Classification Criteria 13 December 2019. Collection method: clinical testing. Allele origin: germline.
Comment: the same text as in the submission from Illumina Laboratory Services, Illumina above.

GeneDx
Classification: Likely benign. Last evaluated: 2016-08-16. Review status: criteria provided, single submitter. Criteria: GeneDx Variant Classification (06012015). Collection method: clinical testing. Allele origin: germline. Affected: yes.
Comment: This variant is considered likely benign or benign based on one or more of the following criteria: it is a conservative change, it occurs at a poorly conserved position in the protein, it is predicted to be benign by multiple in silico algorithms, and/or has population frequency not consistent with disease.

NM_001005361.3(DNM2):c.*14C>T

Gene: DNM2 (dynamin 2; plus strand). Cytogenetic location: 19p13.2.
Variant type: single nucleotide variant.
Coding change: c.*14C>T on transcript NM_001005361.3 (MANE Select); 14 bases downstream of the stop codon, C replaced by T.
Molecular consequence: 3 prime UTR variant.
Genome position (GRCh38, 1-based): chr19:10,831,061, C>T. VCF-style: chr19-10831061-C-T. GRCh37 (hg19) VCF-style: chr19-10941737-C-T.
Other names: c.*14C>T (NM_001005360.3, NM_001005362.3, NM_001190716.2 and 1 more transcripts).
Identifiers: ClinVar variation 327995 (VCV000327995.5), dbSNP rs369529119, ClinGen allele CA9201688.